The following is an entry in ClinVar:

ClinVar aggregate classification (germline): Uncertain significance. Review status: criteria provided, multiple submitters, no conflicts (2 of 4 stars). 5 submissions from 5 submitters: Uncertain significance (5). Last evaluated 2026-01-06.

Conditions:
Rhabdoid tumor predisposition syndrome 2 (RTPS2). Identifiers: Orphanet 231108, Orphanet 69077, MedGen C2750074, MONDO:0013224, OMIM 613325.
Hereditary cancer-predisposing syndrome. Also called: Hereditary neoplastic syndrome; Tumor predisposition; Neoplastic Syndromes, Hereditary; Hereditary Cancer Syndrome. Identifiers: Orphanet 140162, MedGen C0027672, MeSH D009386, MONDO:0015356.
Intellectual disability, autosomal dominant 16 (CSS4). Also called: COFFIN-SIRIS SYNDROME 4. Identifiers: Orphanet 1465, MedGen C3553249, MONDO:0013821, OMIM 614609.

Allele frequency attached by ClinVar (database versions not stated): gnomAD exomes below 0.00001; TOPMed below 0.00001; ExAC 0.00001.
gnomAD v4.1: 8 of 1,612,008 alleles (0.0005%); highest among the groups gnomAD compares: Non-Finnish European, 0.00068%; no homozygotes.

Submissions (5):

Labcorp Genetics (formerly Invitae), Labcorp
Classification: Uncertain significance for Rhabdoid tumor predisposition syndrome 2. Last evaluated: 2026-01-06. Review status: criteria provided, single submitter. Criteria: Invitae Variant Classification Sherloc (09022015). Collection method: clinical testing. Allele origin: germline.
Comment: This sequence change replaces glutamic acid, which is acidic and polar, with lysine, which is basic and polar, at codon 1433 of the SMARCA4 protein (p.Glu1433Lys). The frequency data for this variant in the population databases is considered unreliable, as metrics indicate poor data quality at this position in the gnomAD database. This missense change has been observed in individual(s) with clinical features of Coffin-Siris syndrome (PMID: 30973214). ClinVar contains an entry for this variant (Variation ID: 470393). Invitae Evidence Modeling of protein sequence and biophysical properties (such as structural, functional, and spatial information, amino acid conservation, physicochemical variation, residue mobility, and thermodynamic stability) has been performed for this missense variant. However, the output from this modeling did not meet the statistical confidence thresholds required to predict the impact of this variant on SMARCA4 protein function. In summary, the available evidence is currently insufficient to determine the role of this variant in disease. Therefore, it has been classified as a Variant of Uncertain Significance.

CeGaT Center for Human Genetics Tuebingen
Classification: Uncertain significance. Last evaluated: 2025-01-01. Review status: criteria provided, single submitter. Criteria: CeGaT Center For Human Genetics Tuebingen Variant Classification Criteria Version 2. Collection method: clinical testing. Allele origin: germline. Affected: yes. Observed: 1 variant allele.
Comment: SMARCA4: PP2, PS2:Supporting

Ambry Genetics
Classification: Uncertain significance for Hereditary cancer-predisposing syndrome. Last evaluated: 2024-12-05. Review status: criteria provided, single submitter. Criteria: Ambry Variant Classification Scheme 2023. Collection method: clinical testing. Allele origin: germline.
Comment: The p.E1433K variant (also known as c.4297G>A), located in coding exon 30 of the SMARCA4 gene, results from a G to A substitution at nucleotide position 4297. The glutamic acid at codon 1433 is replaced by lysine, an amino acid with similar properties. This alteration has been reported as a de novo variant in a patient presenting with retinal distrophy and brachydactyly, but without aplasia or hypoplasia of the distal phalanx or nail of the fifth digit (Cappuccio G. et al. Mol. Gen. Genomic Med. 2019;Jun; 7(6): e682). However, our internal cohort did not report clinical characteristics of Coffin-Siris Syndrome or SMARCA4-related disease (Ambry internal data). This amino acid position is highly conserved in available vertebrate species. In addition, the in silico prediction for this alteration is inconclusive. Since supporting evidence is limited at this time, the clinical significance of this alteration remains unclear.

Sema4
Classification: Uncertain significance for Hereditary cancer-predisposing syndrome. Last evaluated: 2021-08-03. Review status: criteria provided, single submitter. Criteria: Sema4 Curation Guidelines. Collection method: curation. Allele origin: germline.
Comment: The SMARCA4 c.4297G>A (p.E1433K) variant has been reported in an individual with features of Coffin-Siris syndrome (PMID: 30973214). It was observed in 1/112700 chromosomes of the Non-Finnish European subpopulation in the large and broad cohorts of the Genome Aggregation Database (PMID: 32461654).The variant has been reported in ClinVar (Variation ID 470393). Functional studies have not been performed, and in silico predictions of the variant's effect on protein function are inconclusive. The evidence is insufficient to meet ACMG/AMP criteria for classifying the variant as benign or pathogenic. Thus, the clinical significance of this variant is currently uncertain.

Genome-Nilou Lab
Classification: Uncertain significance for Intellectual disability, autosomal dominant 16. Last evaluated: 2021-07-15. Review status: criteria provided, single submitter. Criteria: ACMG Guidelines, 2015. Collection method: clinical testing. Allele origin: germline. Affected: no.

Literature cited by the submitters: PubMed 30973214 (cited by Labcorp Genetics (formerly Invitae), Labcorp and Sema4).

NM_003072.5(SMARCA4):c.4201G>A (p.Glu1401Lys)

Gene: SMARCA4 (SWI/SNF related BAF chromatin remodeling complex subunit ATPase 4; plus strand). Cytogenetic location: 19p13.2.
Variant type: single nucleotide variant.
Coding change: c.4201G>A on transcript NM_003072.5 (MANE Select); coding-DNA position 4201, G replaced by A.
Protein change: p.Glu1401Lys; replaces glutamic acid 1401 with lysine.
Molecular consequence: missense variant. On other transcripts: non-coding transcript variant (1).
Genome position (GRCh38, 1-based): chr19:11,041,337, G>A. VCF-style: chr19-11041337-G-A. GRCh37 (hg19) VCF-style: chr19-11152013-G-A.
Other names: c.4201G>A, p.Glu1401Lys (NM_001128844.3); c.4111G>A, p.Glu1371Lys (NM_001128845.2, NM_001128846.2); c.4102G>A, p.Glu1368Lys (NM_001128847.4, NM_001128848.2, NM_001374457.1); c.4297G>A, p.Glu1433Lys (NM_001128849.3, NM_001387283.1); short protein forms E1433K, E1371K, E1401K, E1368K.
Identifiers: ClinVar variation 470393 (VCV000470393.32), dbSNP rs756924224, ClinGen allele CA9204675.
Genomic context (GRCh38, chr19:11,041,337, plus strand): 5'-TGTCCTATTTTACTACTATTGACCCTGAAGGCCATCGAGGAGGGCACGCTGGAGGAGATC[G>A]AAGAGGAGGTCCGGCAGAAGAAATCATCACGGAAGCGCAAGCGAGACAGCGACGCCGGCT-3'
Protein context (NP_003063.2, residues 1391-1411): AIEEGTLEEI[Glu1401Lys]EEVRQKKSSR